The following is an entry in ClinVar:

ClinVar aggregate classification (germline): Uncertain significance (1 of 4 stars; one submission).

Conditions:
Muscular dystrophy-dystroglycanopathy (congenital with brain and eye anomalies), type a, 11 (MDDGA11). Also called: WALKER-WARBURG SYNDROME OR MUSCLE-EYE-BRAIN DISEASE, B3GALNT2-RELATED; Muscular dystrophy-dystroglycanopathy (congenital with brain and eye anomalies, type A, 11; Congenital muscular dystrophy-dystroglycanopathy with brain and eye anomalies, type A11. Identifiers: Orphanet 588, Orphanet 899, MedGen C3554638, MONDO:0014071, OMIM 615181.

Allele frequency attached by ClinVar (database versions not stated): ExAC 0.00001.

Submission:

Labcorp Genetics (formerly Invitae), Labcorp
Classification: Uncertain significance for Muscular dystrophy-dystroglycanopathy (congenital with brain and eye anomalies), type a, 11. Last evaluated: 2022-03-27. Review status: criteria provided, single submitter. Criteria: Invitae Variant Classification Sherloc (09022015). Collection method: clinical testing. Allele origin: germline.
Comment: This sequence change replaces alanine, which is neutral and non-polar, with valine, which is neutral and non-polar, at codon 406 of the B3GALNT2 protein (p.Ala406Val). This variant is present in population databases (rs753271269, gnomAD 0.006%). This variant has not been reported in the literature in individuals affected with B3GALNT2-related conditions. Algorithms developed to predict the effect of missense changes on protein structure and function output the following: SIFT: "Tolerated"; PolyPhen-2: "Benign"; Align-GVGD: "Class C0". The valine amino acid residue is found in multiple mammalian species, which suggests that this missense change does not adversely affect protein function. In summary, the available evidence is currently insufficient to determine the role of this variant in disease. Therefore, it has been classified as a Variant of Uncertain Significance.

NM_152490.5(B3GALNT2):c.1217C>T (p.Ala406Val)

Gene: B3GALNT2 (beta-1,3-N-acetylgalactosaminyltransferase 2; minus strand). Cytogenetic location: 1q42.3.
Variant type: single nucleotide variant.
Coding change: c.1217C>T on transcript NM_152490.5 (MANE Select); coding-DNA position 1217, C replaced by T.
Protein change: p.Ala406Val; replaces alanine 406 with valine.
Molecular consequence: missense variant.
Genome position (GRCh38, 1-based): chr1:235,454,250, G>A on the plus strand (C>T on the coding strand, the complement: B3GALNT2 is on the minus strand). VCF-style: chr1-235454250-G-A. GRCh37 (hg19) VCF-style: chr1-235617562-G-A.
Other names: short protein forms A406V.
Identifiers: ClinVar variation 2115299 (VCV002115299.4), dbSNP rs753271269, ClinGen allele CA1464649.